The following is an entry in ClinVar:

NM_001854.4(COL11A1):c.2311del (p.Arg771fs)

Gene: COL11A1 (collagen type XI alpha 1 chain; minus strand). Cytogenetic location: 1p21.1.
Variant type: Deletion.
Coding change: c.2311del on transcript NM_001854.4 (MANE Select); coding-DNA position 2311, one base deleted (A; older notation c.2311delA).
Protein change: p.Arg771fs; shifts the reading frame from arginine 771.
Molecular consequence: frameshift variant. On other transcripts: non-coding transcript variant (1).
Genome position (GRCh38, 1-based): chr1:102,995,893, T deleted on the plus strand (A on the coding strand, the reverse complement: COL11A1 is on the minus strand). VCF-style (leftmost placement, unchanged base first): chr1-102995892-CT-C. GRCh37 (hg19) VCF-style: chr1-103461448-CT-C.
Other names: c.2194del, p.Arg732fs (NM_001190709.2); c.2347del, p.Arg783fs (NM_080629.3); c.1963del, p.Arg655fs (NM_080630.4); short protein forms R783fs, R771fs, R655fs, R732fs.
Identifiers: ClinVar variation 3692537 (VCV003692537.2).
Genomic context (GRCh38, chr1:102,995,892, plus strand): 5'-AAATTAATACCATCTAAACAATTAAATTTTACCTTTTCACCTTTAGATCCCTTGAGACCT[CT>C]GACACCATCTGCTCCCTGTGGAATAAATTAGAAGTATTAAGTGAATATAACATTTCACTT-3'

ClinVar aggregate classification (germline): Pathogenic (1 of 4 stars; one submission).

Submission:

Labcorp Genetics (formerly Invitae), Labcorp
Classification: Pathogenic. Last evaluated: 2024-05-21. Review status: criteria provided, single submitter. Criteria: Invitae Variant Classification Sherloc (09022015). Collection method: clinical testing. Allele origin: germline.
Comment: This sequence change creates a premature translational stop signal (p.Arg771Glufs*24) in the COL11A1 gene. It is expected to result in an absent or disrupted protein product. Loss-of-function variants in COL11A1 are known to be pathogenic (PMID: 20513134, 21035103, 23922384, 25240749, 32427345, 32756486). This variant is not present in population databases (gnomAD no frequency). This variant has not been reported in the literature in individuals affected with COL11A1-related conditions. For these reasons, this variant has been classified as Pathogenic.

Literature cited by the submitters: PubMed 20513134; PubMed 21035103; PubMed 23922384; PubMed 25240749; PubMed 32427345; PubMed 32756486.